The following is an entry in ClinVar:

ClinVar aggregate classification (germline): Conflicting classifications of pathogenicity. Review status: criteria provided, conflicting classifications (1 of 4 stars). 2 submissions from 2 submitters: Uncertain significance (1); Likely benign (1). Last evaluated 2023-10-06.

Allele frequency attached by ClinVar (database versions not stated): gnomAD 0.00001; TOPMed 0.00001; 1000 Genomes Project 30x 0.00016; 1000 Genomes Project 0.00040.
gnomAD v4.1: 4 of 1,613,556 alleles (0.00025%); highest among the groups gnomAD compares: East Asian, 0.0022%; no homozygotes.

Submissions (2):

Labcorp Genetics (formerly Invitae), Labcorp
Classification: Uncertain significance. Last evaluated: 2023-10-06. Review status: criteria provided, single submitter. Criteria: Invitae Variant Classification Sherloc (09022015). Collection method: clinical testing. Allele origin: germline.
Comment: This sequence change replaces alanine, which is neutral and non-polar, with valine, which is neutral and non-polar, at codon 590 of the A2ML1 protein (p.Ala590Val). The frequency data for this variant in the population databases is considered unreliable, as metrics indicate poor data quality at this position in the gnomAD database. This variant has not been reported in the literature in individuals affected with A2ML1-related conditions. ClinVar contains an entry for this variant (Variation ID: 933217). An algorithm developed to predict the effect of missense changes on protein structure and function (PolyPhen-2) suggests that this variant is likely to be disruptive. In summary, the available evidence is currently insufficient to determine the role of this variant in disease. Therefore, it has been classified as a Variant of Uncertain Significance.

Department of Human Genetics, University Hospital Magdeburg
Classification: Likely benign. Last evaluated: 2020-07-09. Review status: criteria provided, single submitter. Criteria: ACMG Guidelines, 2015. Collection method: clinical testing. Allele origin: paternal. Inheritance: Autosomal dominant inheritance. Observed: 1 variant allele.
Comment: For this variant in-silico prediction yielded inconsistent results.

NM_144670.6(A2ML1):c.1769C>T (p.Ala590Val)

Gene: A2ML1 (alpha-2-macroglobulin like 1; plus strand). Cytogenetic location: 12p13.31.
Variant type: single nucleotide variant.
Coding change: c.1769C>T on transcript NM_144670.6 (MANE Select); coding-DNA position 1769, C replaced by T.
Protein change: p.Ala590Val; replaces alanine 590 with valine.
Molecular consequence: missense variant.
Genome position (GRCh38, 1-based): chr12:8,847,634, C>T. VCF-style: chr12-8847634-C-T. GRCh37 (hg19) VCF-style: chr12-9000230-C-T.
Other names: c.296C>T, p.Ala99Val (NM_001282424.3); short protein forms A590V, A99V.
Identifiers: ClinVar variation 933217 (VCV000933217.4), dbSNP rs770246364, ClinGen allele CA6435808.